The following is an entry in ClinVar:

ClinVar aggregate classification (germline): Uncertain significance (1 of 4 stars; one submission).

gnomAD v4.1: 12 of 1,613,744 alleles (0.00074%); highest among the groups gnomAD compares: African/African-American, 0.016%; no homozygotes.

Submission:

Labcorp Genetics (formerly Invitae), Labcorp
Classification: Uncertain significance. Last evaluated: 2024-12-03. Review status: criteria provided, single submitter. Criteria: Invitae Variant Classification Sherloc (09022015). Collection method: clinical testing. Allele origin: germline.
Comment: This sequence change replaces glutamic acid, which is acidic and polar, with glycine, which is neutral and non-polar, at codon 822 of the PCARE protein (p.Glu822Gly). This variant is present in population databases (rs781429832, gnomAD 0.02%). This variant has not been reported in the literature in individuals affected with PCARE-related conditions. An algorithm developed to predict the effect of missense changes on protein structure and function outputs the following: PolyPhen-2: "Benign". The glycine amino acid residue is found in multiple mammalian species, which suggests that this missense change does not adversely affect protein function. In summary, the available evidence is currently insufficient to determine the role of this variant in disease. Therefore, it has been classified as a Variant of Uncertain Significance.

NM_001029883.3(PCARE):c.2465A>G (p.Glu822Gly)

Gene: PCARE (photoreceptor cilium actin regulator; minus strand). Cytogenetic location: 2p23.2.
Variant type: single nucleotide variant.
Coding change: c.2465A>G on transcript NM_001029883.3 (MANE Select); coding-DNA position 2465, A replaced by G.
Protein change: p.Glu822Gly; replaces glutamic acid 822 with glycine.
Molecular consequence: missense variant.
Genome position (GRCh38, 1-based): chr2:29,071,797, T>C on the plus strand (A>G on the coding strand, the complement: PCARE is on the minus strand). VCF-style: chr2-29071797-T-C. GRCh37 (hg19) VCF-style: chr2-29294663-T-C.
Other names: short protein forms E822G.
Identifiers: ClinVar variation 3710896 (VCV003710896.2).